The following is an entry in ClinVar:

ClinVar aggregate classification (germline): Uncertain significance. Review status: criteria provided, multiple submitters, no conflicts (2 of 4 stars). 2 submissions from 2 submitters: Uncertain significance (2). Last evaluated 2024-09-01.

Conditions:
Inborn genetic diseases. Identifiers: MedGen C0950123, MeSH D030342.
Primary ciliary dyskinesia 33. Also called: CILIARY DYSKINESIA, PRIMARY, 33, WITHOUT SITUS INVERSUS. Identifiers: Orphanet 244, MedGen C4225230, MONDO:0014750, OMIM 616726.

Allele frequency attached by ClinVar (database versions not stated): gnomAD exomes below 0.00001; TOPMed below 0.00001; gnomAD 0.00001.
gnomAD v4.1: 2 of 1,596,716 alleles (0.00013%); highest among the groups gnomAD compares: Non-Finnish European, 0.00017%; no homozygotes.

Submissions (2):

Ambry Genetics
Classification: Uncertain significance for Inborn genetic diseases. Last evaluated: 2024-09-01. Review status: criteria provided, single submitter. Criteria: Ambry Variant Classification Scheme 2023. Collection method: clinical testing. Allele origin: germline.

Labcorp Genetics (formerly Invitae), Labcorp
Classification: Uncertain significance for Primary ciliary dyskinesia 33. Last evaluated: 2021-07-14. Review status: criteria provided, single submitter. Criteria: Invitae Variant Classification Sherloc (09022015). Collection method: clinical testing. Allele origin: germline.
Comment: This variant is not present in population databases (ExAC no frequency). This sequence change replaces tyrosine with cysteine at codon 346 of the GAS8 protein (p.Tyr346Cys). The tyrosine residue is highly conserved and there is a large physicochemical difference between tyrosine and cysteine. In summary, the available evidence is currently insufficient to determine the role of this variant in disease. Therefore, it has been classified as a Variant of Uncertain Significance. Algorithms developed to predict the effect of missense changes on protein structure and function are either unavailable or do not agree on the potential impact of this missense change (SIFT: "Deleterious"; PolyPhen-2: "Probably Damaging"; Align-GVGD: "Class C15"). This variant has not been reported in the literature in individuals affected with GAS8-related conditions.

NM_001481.3(DRC4):c.1037A>G (p.Tyr346Cys)

Gene: DRC4 (dynein regulatory complex subunit 4; plus strand). Cytogenetic location: 16q24.3.
Variant type: single nucleotide variant.
Coding change: c.1037A>G on transcript NM_001481.3 (MANE Select); coding-DNA position 1037, A replaced by G.
Protein change: p.Tyr346Cys; replaces tyrosine 346 with cysteine.
Molecular consequence: missense variant. On other transcripts: non-coding transcript variant (1).
Genome position (GRCh38, 1-based): chr16:90,040,325, A>G. VCF-style: chr16-90040325-A-G. GRCh37 (hg19) VCF-style: chr16-90106733-A-G.
Other names: c.788A>G, p.Tyr263Cys (NM_001286205.2); c.461A>G, p.Tyr154Cys (NM_001286208.2); c.962A>G, p.Tyr321Cys (NM_001286209.2); c.1037A>G (NM_001481.2); short protein forms Y154C, Y321C, Y263C, Y346C.
Identifiers: ClinVar variation 1500649 (VCV001500649.9), dbSNP rs2037162822, ClinGen allele CA397469987.
Genomic context (GRCh38, chr16:90,040,325, plus strand): 5'-GGCCTCATCGCCCACCCCCAGCGCTGTCCCTACAGGTGCAGCAGGAGCGGGACGAGCTCT[A>G]TCGGAAGTTCACCGCAGCCATCCAGGAGGTGCAGCAGAAGACAGGGTTCAAGAACCTCGT-3'
Protein context (NP_001472.1, residues 336-356): TKVQQERDEL[Tyr346Cys]RKFTAAIQEV